The following is an entry in ClinVar:

NM_033026.6(PCLO):c.1991C>T (p.Ala664Val)

Gene: PCLO (piccolo presynaptic cytomatrix protein; minus strand). Cytogenetic location: 7q21.11.
Variant type: single nucleotide variant.
Coding change: c.1991C>T on transcript NM_033026.6 (MANE Select); coding-DNA position 1991, C replaced by T.
Protein change: p.Ala664Val; replaces alanine 664 with valine.
Molecular consequence: missense variant.
Genome position (GRCh38, 1-based): chr7:83,135,559, G>A on the plus strand (C>T on the coding strand, the complement: PCLO is on the minus strand). VCF-style: chr7-83135559-G-A. GRCh37 (hg19) VCF-style: chr7-82764875-G-A.
Other names: c.1991C>T, p.Ala664Val (NM_014510.3); short protein forms A664V.
Identifiers: ClinVar variation 1412408 (VCV001412408.3), dbSNP rs184607004, ClinGen allele CA4321333.

ClinVar aggregate classification (germline): Uncertain significance (1 of 4 stars; one submission).

Allele frequency attached by ClinVar (database versions not stated): ExAC 0.00003; gnomAD exomes 0.00003 and 0.00005; gnomAD 0.00006; ESP Exome Variant Server 0.00008; TOPMed 0.00008; 1000 Genomes Project 30x 0.00016; 1000 Genomes Project 0.00020.
gnomAD v4.1: 92 of 1,613,600 alleles (0.0057%); highest among the groups gnomAD compares: Admixed American, 0.01%; no homozygotes.

Submission:

Labcorp Genetics (formerly Invitae), Labcorp
Classification: Uncertain significance. Last evaluated: 2022-10-25. Review status: criteria provided, single submitter. Criteria: Invitae Variant Classification Sherloc (09022015). Collection method: clinical testing. Allele origin: germline.
Comment: This sequence change replaces alanine, which is neutral and non-polar, with valine, which is neutral and non-polar, at codon 664 of the PCLO protein (p.Ala664Val). This variant is present in population databases (rs184607004, gnomAD 0.007%). This variant has not been reported in the literature in individuals affected with PCLO-related conditions. ClinVar contains an entry for this variant (Variation ID: 1412408). Algorithms developed to predict the effect of missense changes on protein structure and function are either unavailable or do not agree on the potential impact of this missense change (SIFT: "Tolerated"; PolyPhen-2: "Not Available"; Align-GVGD: "Class C0"). In summary, the available evidence is currently insufficient to determine the role of this variant in disease. Therefore, it has been classified as a Variant of Uncertain Significance.